The following is an entry in ClinVar:

NM_005257.6(GATA6):c.91G>C (p.Glu31Gln)

Gene: GATA6 (GATA binding protein 6; plus strand). Cytogenetic location: 18q11.2.
Variant type: single nucleotide variant.
Coding change: c.91G>C on transcript NM_005257.6 (MANE Select); coding-DNA position 91, G replaced by C.
Protein change: p.Glu31Gln; replaces glutamic acid 31 with glutamine.
Molecular consequence: missense variant.
Genome position (GRCh38, 1-based): chr18:22,171,235, G>C. VCF-style: chr18-22171235-G-C. GRCh37 (hg19) VCF-style: chr18-19751196-G-C.
Other names: short protein forms E31Q.
Identifiers: ClinVar variation 1499963 (VCV001499963.8), dbSNP rs780160108, ClinGen allele CA401798605.

ClinVar aggregate classification (germline): Uncertain significance (1 of 4 stars; one submission).

Conditions:
Atrioventricular septal defect 5 (AVSD5). Identifiers: MedGen C3280939, MONDO:0013769, OMIM 614474.

Submission:

Labcorp Genetics (formerly Invitae), Labcorp
Classification: Uncertain significance for Atrioventricular septal defect 5. Last evaluated: 2023-12-06. Review status: criteria provided, single submitter. Criteria: Invitae Variant Classification Sherloc (09022015). Collection method: clinical testing. Allele origin: germline.
Comment: This sequence change replaces glutamic acid, which is acidic and polar, with glutamine, which is neutral and polar, at codon 31 of the GATA6 protein (p.Glu31Gln). This variant is not present in population databases (gnomAD no frequency). This variant has not been reported in the literature in individuals affected with GATA6-related conditions. ClinVar contains an entry for this variant (Variation ID: 1499963). An algorithm developed to predict the effect of missense changes on protein structure and function (PolyPhen-2) suggests that this variant is likely to be tolerated. In summary, the available evidence is currently insufficient to determine the role of this variant in disease. Therefore, it has been classified as a Variant of Uncertain Significance.